The following is an entry in ClinVar:

ClinVar aggregate classification (germline): Uncertain significance (1 of 4 stars; one submission).

Conditions:
Hypotonia, ataxia, and delayed development syndrome (HADDS). Also called: EBF3 Neurodevelopmental Disorder. Identifiers: Orphanet 658843, MedGen C4310618, MONDO:0015021, OMIM 617330.

Submission:

Juno Genomics, Hangzhou Juno Genomics, Inc
Classification: Uncertain significance for Hypotonia, ataxia, and delayed development syndrome. Review status: criteria provided, single submitter. Criteria: ACMG Guidelines, 2015. Collection method: clinical testing. Allele origin: germline.
Comment: Absent from controls (or at extremely low frequency if recessive) in Genome Aggregation Database.;Missense variant in a gene that has a low rate of benign missense variation.

NM_001375380.1(EBF3):c.362G>C (p.Arg121Thr)

Gene: EBF3 (EBF transcription factor 3; minus strand). Cytogenetic location: 10q26.3.
Variant type: single nucleotide variant.
Coding change: c.362G>C on transcript NM_001375380.1 (MANE Select); coding-DNA position 362, G replaced by C.
Protein change: p.Arg121Thr; replaces arginine 121 with threonine.
Molecular consequence: missense variant.
Genome position (GRCh38, 1-based): chr10:129,962,220, C>G on the plus strand (G>C on the coding strand, the complement: EBF3 is on the minus strand). VCF-style: chr10-129962220-C-G. GRCh37 (hg19) VCF-style: chr10-131760484-C-G.
Other names: c.362G>C, p.Arg121Thr (NM_001375389.1, NM_001375390.1, NM_001375391.1 and 3 more transcripts); short protein forms R121T.
Identifiers: ClinVar variation 5007674 (VCV005007674.2).
Genomic context (GRCh38, chr10:129,962,220, plus strand): 5'-AACTTTCTCACCTGTTTGGTCATTGAATCTATGAGGCGAACATACAGATCTTGCTCTGTT[C>G]TGACTCCTGCAAAAAAACAGAGACAAATTCTCATCAGGATTTGAGTGCTGCACCTCGGGG-3'
Protein context (NP_001362309.1, residues 111-131): KLQLLYSNGV[Arg121Thr]TEQDLYVRLI